The following is an entry in ClinVar:

ClinVar aggregate classification (germline): Benign/Likely benign. Review status: criteria provided, multiple submitters, no conflicts (2 of 4 stars). 3 submissions from 3 submitters: Benign (1); Likely benign (2). Last evaluated 2024-05-23.

Conditions:
Familial cancer of breast. Also called: BREAST CANCER, FAMILIAL; Hereditary breast cancer; hereditary breast carcinoma. Identifiers: Orphanet 227535, MedGen C0346153, MONDO:0016419, OMIM 114480. Disease mechanism: loss of function.
Ataxia-telangiectasia syndrome (AT). Also called: Cerebello-oculocutaneous telangiectasia; Immunodeficiency with ataxia telangiectasia; AT, COMPLEMENTATION GROUP C; Ataxia-telangiectasia, complementation group D; LOUIS-BAR SYNDROME; Ataxia-telangiectasia, complementation group E. Identifiers: Orphanet 100, MedGen C0004135, MONDO:0008840, OMIM 208900.

Submissions (3):

Myriad Genetics, Inc.
Classification: Benign for Familial cancer of breast. Last evaluated: 2024-05-23. Review status: criteria provided, single submitter. Criteria: Myriad Autosomal Dominant, Autosomal Recessive and X-Linked Classification Criteria (2023). Collection method: clinical testing. Allele origin: unknown.
Comment: This variant is considered benign. This variant is a silent/synonymous amino acid change and it is not expected to impact splicing.

Labcorp Genetics (formerly Invitae), Labcorp
Classification: Likely benign for Ataxia-telangiectasia syndrome. Last evaluated: 2024-05-12. Review status: criteria provided, single submitter. Criteria: Invitae Variant Classification Sherloc (09022015). Collection method: clinical testing. Allele origin: germline.

GeneDx
Classification: Likely benign. Last evaluated: 2017-08-07. Review status: criteria provided, single submitter. Criteria: GeneDx Variant Classification (06012015). Collection method: clinical testing. Allele origin: germline. Affected: yes.
Comment: This variant is considered likely benign or benign based on one or more of the following criteria: it is a conservative change, it occurs at a poorly conserved position in the protein, it is predicted to be benign by multiple in silico algorithms, and/or has population frequency not consistent with disease.

NM_000051.4(ATM):c.5559T>C (p.Asp1853=)

Gene: ATM (ATM serine/threonine kinase; plus strand). Cytogenetic location: 11q22.3.
Variant type: single nucleotide variant.
Coding change: c.5559T>C on transcript NM_000051.4 (MANE Select); coding-DNA position 5559, T replaced by C.
Protein change: p.Asp1853=; no amino-acid change (aspartic acid 1853 retained).
Molecular consequence: synonymous variant.
Genome position (GRCh38, 1-based): chr11:108,304,737, T>C. VCF-style: chr11-108304737-T-C. GRCh37 (hg19) VCF-style: chr11-108175464-T-C.
Other names: c.5559T>C, p.Asp1853= (NM_001351834.2).
Identifiers: ClinVar variation 511360 (VCV000511360.10), dbSNP rs1555107393, ClinGen allele CA476675135.